The following is an entry in ClinVar:

ClinVar aggregate classification (germline): Uncertain significance (1 of 4 stars; one submission).

Conditions:
Tuberous sclerosis 1 (TSC1). Identifiers: Orphanet 805, MedGen C1854465, MONDO:0008612, OMIM 191100.

Submission:

Labcorp Genetics (formerly Invitae), Labcorp
Classification: Uncertain significance for Tuberous sclerosis 1. Last evaluated: 2019-03-04. Review status: criteria provided, single submitter. Criteria: Invitae Variant Classification Sherloc (09022015). Collection method: clinical testing. Allele origin: germline.
Comment: In summary, the available evidence is currently insufficient to determine the role of this variant in disease. Therefore, it has been classified as a Variant of Uncertain Significance. Algorithms developed to predict the effect of sequence changes on RNA splicing suggest that this variant may create or strengthen a splice site, but this prediction has not been confirmed by published transcriptional studies. This variant has not been reported in the literature in individuals with TSC1-related conditions. This variant is not present in population databases (ExAC no frequency). This variant, c.44_58del, results in the deletion of 5 amino acid(s) of the TSC1 protein (p.Asp15_Leu19del), but otherwise preserves the integrity of the reading frame.

NM_000368.5(TSC1):c.44_58del (p.Asp15_Leu19del)

Gene: TSC1 (TSC complex subunit 1; minus strand). Cytogenetic location: 9q34.13.
Variant type: Deletion.
Coding change: c.44_58del on transcript NM_000368.5 (MANE Select); coding-DNA positions 44 to 58, 15 bases deleted (ACTCCCCCATGCTGG).
Protein change: p.Asp15_Leu19del.
Molecular consequence: inframe deletion. On other transcripts: 5 prime UTR variant (1).
Genome position (GRCh38, 1-based): chr9:132,928,815-132,928,829, CCAGCATGGGGGAGT deleted on the plus strand (ACTCCCCCATGCTGG on the coding strand, the reverse complement: TSC1 is on the minus strand); deleting any 15 consecutive bases within chr9:132,928,815-132,928,838 gives the same sequence; the c. name uses the placement nearest the transcript's 3' end. VCF-style (leftmost placement, unchanged base first): chr9-132928814-CCCAGCATGGGGGAGT-C. GRCh37 (hg19) VCF-style: chr9-135804201-CCCAGCATGGGGGAGT-C.
Other names: c.44_58del, p.Asp15_Leu19del (NM_001162426.2, NM_001162427.2); c.-216_-202del (NM_001362177.2).
Identifiers: ClinVar variation 841101 (VCV000841101.9), dbSNP rs1847036151, ClinGen allele CA916081565.
Genomic context (GRCh38, chr9:132,928,814, plus strand): 5'-TTATTTTGCTAACCAGAATTGAGGTTCTCTTTAAAGACAGCTGTCACGTCGTCCCGCACA[CCCAGCATGGGGGAGT>C]CCAGCATGGCAAGAAGCTCCCCGACATTTGCTTGTTGGGCCATTCTCTCGCTCGAAGGCG-3'